The following is an entry in ClinVar:

ClinVar aggregate classification (germline): Benign/Likely benign. Review status: criteria provided, multiple submitters, no conflicts (2 of 4 stars). 3 submissions from 3 submitters: Benign (1); Likely benign (2). Last evaluated 2026-04-23.

Conditions:
Colorectal cancer, susceptibility to, 1. Also called: COLORECTAL ADENOMA AND CANCER, SUSCEPTIBILITY TO; COLORECTAL CANCER, SUSCEPTIBILITY TO, ON CHROMOSOME 9. Identifiers: MedGen C1837315, MONDO:0012132, OMIM 608812.

Allele frequency attached by ClinVar (database versions not stated): gnomAD exomes 0.00001.
gnomAD v4.1: 8 of 1,614,170 alleles (0.0005%); highest among the groups gnomAD compares: African/African-American, 0.004%; no homozygotes.

Submissions (3):

Myriad Genetics, Inc.
Classification: Benign for Colorectal cancer, susceptibility to, 1. Last evaluated: 2026-04-23. Review status: criteria provided, single submitter. Criteria: Myriad Autosomal Dominant, Autosomal Recessive and X-Linked Classification Criteria (2023). Collection method: clinical testing. Allele origin: unknown.
Comment: This variant is considered benign. This variant is a silent/synonymous amino acid change and it is not expected to impact splicing.

Labcorp Genetics (formerly Invitae), Labcorp
Classification: Likely benign. Last evaluated: 2025-11-04. Review status: criteria provided, single submitter. Criteria: Invitae Variant Classification Sherloc (09022015). Collection method: clinical testing. Allele origin: germline.

Ambry Genetics
Classification: Likely benign. Last evaluated: 2020-11-16. Review status: criteria provided, single submitter. Criteria: Ambry Variant Classification Scheme 2023. Collection method: clinical testing. Allele origin: germline.

NM_024642.5(GALNT12):c.492G>A (p.Pro164=)

Gene: GALNT12 (polypeptide N-acetylgalactosaminyltransferase 12; plus strand). Cytogenetic location: 9q22.33.
Variant type: single nucleotide variant.
Coding change: c.492G>A on transcript NM_024642.5 (MANE Select); coding-DNA position 492, G replaced by A.
Protein change: p.Pro164=; no amino-acid change (proline 164 retained).
Molecular consequence: synonymous variant.
Genome position (GRCh38, 1-based): chr9:98,823,376, G>A. VCF-style: chr9-98823376-G-A. GRCh37 (hg19) VCF-style: chr9-101585658-G-A.
Identifiers: ClinVar variation 1744185 (VCV001744185.4), dbSNP rs1457379339, ClinGen allele CA466423601.